The following is an entry in ClinVar:

NM_001002294.3(FMO3):c.172G>A (p.Val58Ile)

Gene: FMO3 (flavin containing dimethylaniline monoxygenase 3; plus strand). Cytogenetic location: 1q24.3.
Variant type: single nucleotide variant.
Coding change: c.172G>A on transcript NM_001002294.3 (MANE Select); coding-DNA position 172, G replaced by A.
Protein change: p.Val58Ile; replaces valine 58 with isoleucine.
Molecular consequence: missense variant. On other transcripts: intron variant (1).
Genome position (GRCh38, 1-based): chr1:171,103,824, G>A. VCF-style: chr1-171103824-G-A. GRCh37 (hg19) VCF-style: chr1-171072965-G-A.
Other names: c.112G>A, p.Val38Ile (NM_001319173.2); c.172G>A, p.Val58Ile (NM_006894.6); c.133-3851G>A (NM_001319174.2); short protein forms V58I, V38I.
Identifiers: ClinVar variation 225365 (VCV000225365.16), dbSNP rs144935285, ClinGen allele CA1240480.
Genomic context (GRCh38, chr1:171,103,824, plus strand): 5'-TTTGATACTATACATTCACAGGACCATGCAGAGGAGGGCAGGGCTAGCATTTACAAATCA[G>A]TCTTTTCCAACTCTTCCAAAGAGATGATGTGTTTCCCAGACTTCCCATTTCCCGATGACT-3'
Protein context (NP_001002294.1, residues 48-68): EEGRASIYKS[Val58Ile]FSNSSKEMMC

ClinVar aggregate classification (germline): Conflicting classifications of pathogenicity. Review status: criteria provided, conflicting classifications (1 of 4 stars). 7 submissions from 7 submitters: Pathogenic (2); Likely pathogenic (4); Uncertain significance (1). Last evaluated 2026-01-28.

Conditions:
Trimethylaminuria (TMAU). Also called: Fish malodor syndrome; Stale fish syndrome; TMAuria; FISH-ODOR SYNDROME; Primary Trimethylaminuria. Identifiers: MedGen C0342739, MONDO:0011182, OMIM 602079, HP:0003614. Disease mechanism: loss of function.

Allele frequency attached by ClinVar (database versions not stated): gnomAD exomes 0.00012 and 0.00035; gnomAD 0.00016 and 0.00023; TOPMed 0.00024; ExAC 0.00043; 1000 Genomes Project 30x 0.00094; 1000 Genomes Project 0.00100.
gnomAD v4.1: 221 of 1,613,894 alleles (0.014%); highest among the groups gnomAD compares: East Asian, 0.35%; no homozygotes.

Submissions (7):

Labcorp Genetics (formerly Invitae), Labcorp
Classification: Pathogenic. Last evaluated: 2026-01-28. Review status: criteria provided, single submitter. Criteria: Invitae Variant Classification Sherloc (09022015). Collection method: clinical testing. Allele origin: germline.
Comment: This sequence change replaces valine, which is neutral and non-polar, with isoleucine, which is neutral and non-polar, at codon 58 of the FMO3 protein (p.Val58Ile). This variant is present in population databases (rs144935285, gnomAD 0.5%). This missense change has been observed in individual(s) with clinical features of trimethylaminuria (PMID: 15618671, 22819296, 28392825, 33831674). This variant is also known as p.Val158Ile, G265A. ClinVar contains an entry for this variant (Variation ID: 225365). Invitae Evidence Modeling of protein sequence and biophysical properties (such as structural, functional, and spatial information, amino acid conservation, physicochemical variation, residue mobility, and thermodynamic stability) has been performed for this missense variant. However, the output from this modeling did not meet the statistical confidence thresholds required to predict the impact of this variant on FMO3 protein function. Experimental studies have shown that this missense change affects FMO3 function (PMID: 15618671, 22819296). For these reasons, this variant has been classified as Pathogenic.

Women's Health and Genetics/Laboratory Corporation of America, LabCorp
Classification: Pathogenic for Trimethylaminuria. Last evaluated: 2025-05-16. Review status: criteria provided, single submitter. Criteria: LabCorp Variant Classification Summary - May 2015. Collection method: clinical testing. Allele origin: germline.
Comment: Variant summary: FMO3 c.172G>A (p.Val58Ile) results in a conservative amino acid change in the encoded protein sequence. Algorithms developed to predict the effect of missense changes on protein structure and function are either unavailable or do not agree on the potential impact of this missense change. The variant allele was found at a frequency of 0.00035 in 251230 control chromosomes, predominantly at a frequency of 0.0042 within the East Asian subpopulation in the gnomAD database. This frequency is not significantly higher than estimated for a pathogenic variant in FMO3 causing Trimethylaminuria (0.00035 vs 0.0056), allowing no conclusion about variant significance. c.172G>A has been observed in multiple individuals affected with Trimethylaminuria (Shimizu_2012, Kim_2017, Shimizu_2021, Shimizu_2023). These data indicate that the variant is very likely to be associated with disease. At least one publication reports experimental evidence evaluating an impact on protein function indicating changes in protein function (Shimizu_2012, Kubota_2002). The following publications have been ascertained in the context of this evaluation (PMID: 28392825, 15618671, 33831674, 22819296, 36889044). ClinVar contains an entry for this variant (Variation ID: 225365). Based on the evidence outlined above, the variant was classified as pathogenic.

3billion
Classification: Likely pathogenic for Trimethylaminuria. Last evaluated: 2024-07-10. Review status: criteria provided, single submitter. Criteria: ACMG Guidelines, 2015. Collection method: clinical testing. Allele origin: germline. Affected: yes.
Comment: The variant is observed at an extremely low frequency in the gnomAD v4.0.0 dataset (total allele frequency: 0.014%). Predicted Consequence/Location: Missense variant In silico tool predictions suggest no damaging effect of the variant on gene or gene product [REVEL: 0.27 (<0.4); 3Cnet: 0.05 (<0.15, specificity 0.78 and negative predictive value 0.92)]. The variant has been reported to be associated with FMO3 related disorder (PMID: 22819296, VCV000225365.6) The variant has been reported to be in trans with a pathogenic variant as compound heterozygousin at least one similarly affected unrelated individual (PMID: 28392825). Therefore, this variant is classified as Likely pathogenic according to the recommendation of ACMG/AMP guideline.

Fulgent Genetics
Classification: Likely pathogenic for Trimethylaminuria. Last evaluated: 2024-06-13. Review status: criteria provided, single submitter. Criteria: ACMG Guidelines, 2015. Collection method: clinical testing. Allele origin: germline.

Department of Pathology and Laboratory Medicine, Sinai Health System
Classification: Likely pathogenic for Trimethylaminuria. Last evaluated: 2023-09-21. Review status: criteria provided, single submitter. Criteria: ACMG Guidelines, 2015. Collection method: research. Allele origin: germline.

Soonchunhyang University Bucheon Hospital, Soonchunhyang University Medical Center
Classification: Uncertain significance for Trimethylaminuria. Last evaluated: 2016-03-18. Review status: criteria provided, single submitter. Criteria: ACMG Guidelines, 2015. Collection method: reference population. Allele origin: germline. Observed: 2 variant alleles.

Juno Genomics, Hangzhou Juno Genomics, Inc
Classification: Likely pathogenic for Trimethylaminuria. Review status: criteria provided, single submitter. Criteria: ACMG Guidelines, 2015. Collection method: clinical testing. Allele origin: germline.
Comment: Well-established in vitro or in vivo functional studies supportive of a damaging effect on the gene or gene product.;For recessive disorders, detected in trans with a pathogenic variant.

Literature cited by the submitters: PubMed 15618671 (cited by 4 submitters); PubMed 22819296 (cited by 3 submitters); PubMed 28392825 (cited by 3 submitters); PubMed 33831674 (cited by Labcorp Genetics (formerly Invitae), Labcorp and Women's Health and Genetics/Laboratory Corporation of America, LabCorp); PubMed 36889044 (cited by Women's Health and Genetics/Laboratory Corporation of America, LabCorp); PubMed 18423897 (cited by Soonchunhyang University Bucheon Hospital, Soonchunhyang University Medical Center).